The following is an entry in ClinVar:

ClinVar aggregate classification (germline): Conflicting classifications of pathogenicity. Review status: criteria provided, conflicting classifications (1 of 4 stars). 5 submissions from 5 submitters: Likely pathogenic (2); Uncertain significance (2). 1 of the submissions does not count toward it. Last evaluated 2025-03-12.

Conditions:
Wilson disease (WND). Also called: Wilson's disease. Identifiers: Orphanet 905, MedGen C0019202, MONDO:0010200, OMIM 277900. Disease mechanism: loss of function.

Submissions (5):

Natera, Inc.
Classification: Likely pathogenic for Wilson disease. Last evaluated: 2025-03-12. Review status: criteria provided, single submitter. Criteria: Natera Variant Classification Schema (03/2026). Collection method: clinical testing. Allele origin: germline.
Comment: The c.4063G>A variant in ATP7B is a missense variant predicted to cause substitution of glycine to serine at amino acid 1355. This variant is rare in the general population with a frequency below the threshold expected for the associated phenotype(s). This variant has been observed in one or more individuals affected with the associated recessive disease, as either homozygous or compound heterozygous with a second variant (PMID: 35220961). A different variant at the same position has been determined to be Pathogenic or Likely Pathogenic. Computational prediction algorithms indicate this variant is likely to affect gene or protein function. Given the available evidence, this variant is classified as Likely Pathogenic.

All of Us Research Program, National Institutes of Health
Classification: Likely pathogenic for Wilson disease. Last evaluated: 2023-08-15. Review status: criteria provided, single submitter. Criteria: ACMG Guidelines, 2015. Collection method: clinical testing. Allele origin: germline. Inheritance: Autosomal recessive inheritance. Observed: 1 variant allele, 1 heterozygote.
Comment: This missense variant replaces glycine with serine at codon 1355 of the ATP7B protein. Computational prediction suggests that this variant may have deleterious impact on protein structure and function (internally defined REVEL score threshold >= 0.7, PMID: 27666373). Although functional studies have not been reported for this variant, it alters a conserved glycine residue in the transmembrane domain M6 of the ATP7B protein (a.a 1352 - 1375), a highly conserved region that is considered to be important for ATP7B protein function (PMID: 35245129; ClinVar). This variant has been observed in two individuals affected with autosomal recessive Wilson disease (PMID: 8938442, 15967699), including one individual in the compound heterozygous state with a second pathogenic ATP7B variant (PMID: 8938442). This variant has not been identified in the general population by the Genome Aggregation Database (gnomAD). Based on the available evidence, this variant is classified as Likely Pathogenic.

This study involves interpretation of variants in research participants for the purpose of population health screening. Participant phenotype was not available at the time of variant classification. Additional details can be found in publication PMID: 35346344, PMCID: PMC8962531

Genome-Nilou Lab
Classification: Uncertain significance for Wilson disease. Last evaluated: 2021-09-05. Review status: criteria provided, single submitter. Criteria: ACMG Guidelines, 2015. Collection method: clinical testing. Allele origin: germline. Affected: no.

Labcorp Genetics (formerly Invitae), Labcorp
Classification: Uncertain significance for Wilson disease. Last evaluated: 2019-12-30. Review status: criteria provided, single submitter. Criteria: Invitae Variant Classification Sherloc (09022015). Collection method: clinical testing. Allele origin: germline.
Comment: This sequence change replaces glycine with serine at codon 1355 of the ATP7B protein (p.Gly1355Ser). The glycine residue is highly conserved and there is a small physicochemical difference between glycine and serine. This variant is not present in population databases (ExAC no frequency). This variant has been observed in individual(s) with Wilson disease (PMID: 8938442). ClinVar contains an entry for this variant (Variation ID: 555192). Algorithms developed to predict the effect of missense changes on protein structure and function are either unavailable or do not agree on the potential impact of this missense change (SIFT: "Deleterious"; PolyPhen-2: "Probably Damaging"; Align-GVGD: "Class C0"). In summary, the available evidence is currently insufficient to determine the role of this variant in disease. Therefore, it has been classified as a Variant of Uncertain Significance.

Counsyl
Classification: Uncertain significance for Wilson disease. Last evaluated: 2017-11-29. Review status: no assertion criteria provided. Collection method: clinical testing. Allele origin: unknown. Not counted in ClinVar's aggregate classification.

Literature cited by the submitters: PubMed 35220961 (cited by Natera, Inc.); PubMed 8938442 (cited by 3 submitters); PubMed 15967699 (cited by All of Us Research Program, National Institutes of Health); PubMed 35245129 (cited by All of Us Research Program, National Institutes of Health).

NM_000053.4(ATP7B):c.4063G>A (p.Gly1355Ser)

Gene: ATP7B (ATPase copper transporting beta; minus strand). Cytogenetic location: 13q14.3.
Variant type: single nucleotide variant.
Coding change: c.4063G>A on transcript NM_000053.4 (MANE Select); coding-DNA position 4063, G replaced by A.
Protein change: p.Gly1355Ser; replaces glycine 1355 with serine.
Molecular consequence: missense variant.
Genome position (GRCh38, 1-based): chr13:51,935,654, C>T on the plus strand (G>A on the coding strand, the complement: ATP7B is on the minus strand). VCF-style: chr13-51935654-C-T. GRCh37 (hg19) VCF-style: chr13-52509790-C-T.
Other names: c.3442G>A, p.Gly1148Ser (NM_001005918.3); c.3730G>A, p.Gly1244Ser (NM_001243182.2); c.3829G>A, p.Gly1277Ser (NM_001330578.2); c.3811G>A, p.Gly1271Ser (NM_001330579.2); short protein forms G1355S, G1148S, G1244S, G1271S, G1277S.
Identifiers: ClinVar variation 555192 (VCV000555192.8), dbSNP rs1555282751, ClinGen allele CA388020160.